The following is an entry in ClinVar:

ClinVar aggregate classification (germline): Pathogenic. Review status: criteria provided, multiple submitters, no conflicts (2 of 4 stars). 4 submissions from 4 submitters: Pathogenic (2). 2 of the submissions do not count toward it. Last evaluated 2025-11-10.

Conditions:
MAT1A-related disorder. Also called: MAT1A-related condition.
Hepatic methionine adenosyltransferase deficiency. Also called: MAT I/III DEFICIENCY; Methionine adenosyltransferase deficiency; Isolated Persistent Hypermethioninemia; Deficiency of methionine adenosyltransferase. Identifiers: Orphanet 168598, MedGen C0268621, MeSH C564683, MONDO:0009607, OMIM 250850.

Allele frequency attached by ClinVar (database versions not stated): gnomAD exomes 0.00001.
gnomAD v4.1: 11 of 1,613,316 alleles (0.00068%); highest among the groups gnomAD compares: Middle Eastern, 0.017%; no homozygotes.

Submissions (4):

Women's Health and Genetics/Laboratory Corporation of America, LabCorp
Classification: Pathogenic for Hepatic methionine adenosyltransferase deficiency. Last evaluated: 2025-11-10. Review status: criteria provided, single submitter. Criteria: LabCorp Variant Classification Summary - May 2015. Collection method: clinical testing. Allele origin: germline.
Comment: Variant summary: MAT1A c.790C>T (p.Arg264Cys) results in a non-conservative amino acid change in the encoded protein sequence. Algorithms developed to predict the effect of missense changes on protein structure and function all suggest that this variant is likely to be disruptive. The variant was absent in 249508 control chromosomes. c.790C>T has been observed in individuals affected with Hepatic methionine adenosyltransferase deficiency (Chamberlin_2000, Chien_2005, Chien_2015). These data indicate that the variant may be associated with disease. At least one publication reports experimental evidence evaluating an impact on protein function the most pronounced variant effect results in 0.5% of normal activity (Chamberlin_2000). A missense varianat affecting the same codon (c.791G>A; p.Arg264His) has been classified as pathogenic by out own lab. The following publications have been ascertained in the context of this evaluation (PMID: 10677294, 15935930, 26289392). ClinVar contains an entry for this variant (Variation ID: 1210). Based on the evidence outlined above, the variant was classified as pathogenic.

Labcorp Genetics (formerly Invitae), Labcorp
Classification: Pathogenic for Hepatic methionine adenosyltransferase deficiency. Last evaluated: 2023-08-24. Review status: criteria provided, single submitter. Criteria: Invitae Variant Classification Sherloc (09022015). Collection method: clinical testing. Allele origin: germline.
Comment: ClinVar contains an entry for this variant (Variation ID: 1210). For these reasons, this variant has been classified as Pathogenic. Experimental studies have shown that this missense change affects MAT1A function (PMID: 10677294). Advanced modeling of protein sequence and biophysical properties (such as structural, functional, and spatial information, amino acid conservation, physicochemical variation, residue mobility, and thermodynamic stability) performed at Invitae indicates that this missense variant is expected to disrupt MAT1A protein function. This missense change has been observed in individuals with autosomal recessive hypermethioninemia (PMID: 10677294, 15935930, 26289392). This variant is not present in population databases (gnomAD no frequency). This sequence change replaces arginine, which is basic and polar, with cysteine, which is neutral and slightly polar, at codon 264 of the MAT1A protein (p.Arg264Cys).

PreventionGenetics, part of Exact Sciences
Classification: Pathogenic for MAT1A-related condition. Last evaluated: 2024-05-14. Review status: no assertion criteria provided. Collection method: clinical testing. Allele origin: germline. Not counted in ClinVar's aggregate classification.
Comment: The MAT1A c.790C>T variant is predicted to result in the amino acid substitution p.Arg264Cys. This variant has been reported to be causative for hypermethioninemia due to methionine adenosyltransferase I/III deficiency in the compound heterozygous state (referred to as c.791C>T (R264C) in Chamberlin et al. 2000. PubMed ID: 10677294; Chien et al. 2004. PubMed ID: 15935930; referred to as c.791C>T in Chien et al. 2015. PubMed ID: 26289392). In experimental studies, the p.Arg264Cys substitution abolished enzyme activity (Chamberlin et al. 2000. PubMed ID: 10677294). This variant has not been reported in a large population database, indicating this variant is rare. This variant is interpreted as pathogenic.

OMIM
Classification: Pathogenic for METHIONINE ADENOSYLTRANSFERASE I/III DEFICIENCY, AUTOSOMAL RECESSIVE. Last evaluated: 2000-02-01. Review status: no assertion criteria provided. Collection method: literature only. Allele origin: germline. Not counted in ClinVar's aggregate classification.

Literature cited by the submitters: PubMed 26289392 (cited by Women's Health and Genetics/Laboratory Corporation of America, LabCorp and Labcorp Genetics (formerly Invitae), Labcorp); PubMed 10677294 (cited by 3 submitters); PubMed 15935930 (cited by Women's Health and Genetics/Laboratory Corporation of America, LabCorp and Labcorp Genetics (formerly Invitae), Labcorp).

NM_000429.3(MAT1A):c.790C>T (p.Arg264Cys)

Gene: MAT1A (methionine adenosyltransferase 1A; minus strand). Cytogenetic location: 10q22.3.
Variant type: single nucleotide variant.
Coding change: c.790C>T on transcript NM_000429.3 (MANE Select); coding-DNA position 790, C replaced by T.
Protein change: p.Arg264Cys; replaces arginine 264 with cysteine.
Molecular consequence: missense variant.
Genome position (GRCh38, 1-based): chr10:80,275,178, G>A on the plus strand (C>T on the coding strand, the complement: MAT1A is on the minus strand). VCF-style: chr10-80275178-G-A. GRCh37 (hg19) VCF-style: chr10-82034934-G-A.
Other names: short protein forms R264C.
Identifiers: ClinVar variation 1210 (VCV000001210.11), dbSNP rs118204005, ClinGen allele CA114841.